The following is an entry in ClinVar:

NM_201384.3(PLEC):c.1686C>T (p.His562=)

Gene: PLEC (plectin; minus strand). Cytogenetic location: 8q24.3.
Variant type: single nucleotide variant.
Coding change: c.1686C>T on transcript NM_201384.3 (MANE Select); coding-DNA position 1686, C replaced by T.
Protein change: p.His562=; no amino-acid change (histidine 562 retained).
Molecular consequence: synonymous variant.
Genome position (GRCh38, 1-based): chr8:143,932,844, G>A on the plus strand (C>T on the coding strand, the complement: PLEC is on the minus strand). VCF-style: chr8-143932844-G-A. GRCh37 (hg19) VCF-style: chr8-145007012-G-A.
Other names: c.1767C>T (NM_000445.4); c.1767C>T, p.His589= (NM_000445.5, NM_001410941.1); c.1644C>T, p.His548= (NM_201378.4); c.1620C>T, p.His540= (NM_201379.3); c.2097C>T, p.His699= (NM_201380.4); c.1590C>T, p.His530= (NM_201381.3); c.1686C>T, p.His562= (NM_201382.4); c.1698C>T, p.His566= (NM_201383.3).
Identifiers: ClinVar variation 2073566 (VCV002073566.5), dbSNP rs782561721, ClinGen allele CA4927899.
Genomic context (GRCh38, chr8:143,932,844, plus strand): 5'-GCCACCCACCTCGTCACTCCGTGCCCGCTCGATCTTGGCCCGGAATTCTTCGATGGACTG[G>A]TGCAGGCCTCGGTGGCTGCCCAGCTGCGCCTCCACGCTGGGCAGGTCCACACCCCACTCA-3'
Protein context (NP_958786.1, residues 552-572): EAQLGSHRGL[His562=]QSIEEFRAKI

ClinVar aggregate classification (germline): Likely benign. Review status: criteria provided, multiple submitters, no conflicts (2 of 4 stars). 2 submissions from 2 submitters: Likely benign (2). Last evaluated 2026-05-18.

Conditions:
PLEC-related disorder. Also called: PLEC-related condition; PLEC-related disorders.
Epidermolysis bullosa simplex, Ogna type (EBS5A). Also called: EPIDERMOLYSIS BULLOSA SIMPLEX 5A, OGNA TYPE; Pidermolysis bullosa simplex 5A, Ogna type. Identifiers: Orphanet 79401, MedGen C0432317, MONDO:0007555, OMIM 131950.
Epidermolysis bullosa simplex 5C, with pyloric atresia (EBS5C). Also called: PLEC1-Related Epidermolysis Bullosa with Pyloric Atresia; PLEC-Related Epidermolysis Bullosa with Pyloric Atresia; Epidermolysis bullosa simplex with pyloric atresia. Identifiers: Orphanet 158684, MedGen C2677349, MONDO:0012807, OMIM 612138.
Autosomal recessive limb-girdle muscular dystrophy type 2Q (LGMDR17). Also called: MUSCULAR DYSTROPHY, LIMB-GIRDLE, AUTOSOMAL RECESSIVE 17. Identifiers: Orphanet 254361, MedGen C3150989, MONDO:0013390, OMIM 613723.
Epidermolysis bullosa simplex 5B, with muscular dystrophy (EBS5B). Also called: EPIDERMOLYSIS BULLOSA SIMPLEX AND LIMB-GIRDLE MUSCULAR DYSTROPHY; Epidermolysis bullosa simplex with muscular dystrophy. Identifiers: Orphanet 257, MedGen C2931072, MONDO:0009181, OMIM 226670.
Epidermolysis bullosa simplex with nail dystrophy (EBS5D). Identifiers: MedGen C4225309, MONDO:0014661, OMIM 616487.

Allele frequency attached by ClinVar (database versions not stated): ExAC 0.00001; gnomAD 0.00001; gnomAD exomes 0.00002; TOPMed 0.00003.

Submissions (2):

PreventionGenetics, part of Exact Sciences
Classification: Likely benign for PLEC-related condition. Last evaluated: 2026-05-18. Review status: criteria provided, single submitter. Criteria: ACMG Guidelines, 2015. Collection method: clinical testing. Allele origin: germline.
Comment: This variant is classified as likely benign based on ACMG/AMP sequence variant interpretation guidelines (Richards et al. 2015 PMID: 25741868, with internal and published modifications).

Labcorp Genetics (formerly Invitae), Labcorp
Classification: Likely benign for Autosomal recessive limb-girdle muscular dystrophy type 2Q; Epidermolysis bullosa simplex, Ogna type; Epidermolysis bullosa simplex with nail dystrophy; Epidermolysis bullosa simplex 5C, with pyloric atresia; Epidermolysis bullosa simplex 5B, with muscular dystrophy. Last evaluated: 2022-04-22. Review status: criteria provided, single submitter. Criteria: Invitae Variant Classification Sherloc (09022015). Collection method: clinical testing. Allele origin: germline.